The following is an entry in ClinVar:

ClinVar aggregate classification (germline): Uncertain significance. Review status: criteria provided, multiple submitters, no conflicts (2 of 4 stars). 2 submissions from 2 submitters: Uncertain significance (2). Last evaluated 2023-06-02.

Conditions:
Congenital sideroblastic anemia-B-cell immunodeficiency-periodic fever-developmental delay syndrome. Also called: Sideroblastic anemia with B-cell immunodeficiency, periodic fevers, and developmental delay. Identifiers: Orphanet 369861, MedGen C4015172, MONDO:0014487, OMIM 616084.

Allele frequency attached by ClinVar (database versions not stated): gnomAD exomes below 0.00001.
gnomAD v4.1: 3 of 1,613,932 alleles (0.00019%); highest among the groups gnomAD compares: Non-Finnish European, 0.00025%; no homozygotes.

Submissions (2):

Blueprint Genetics
Classification: Uncertain significance. Last evaluated: 2023-06-02. Review status: criteria provided, single submitter. Criteria: ACMG Guidelines, 2015. Collection method: clinical testing. Allele origin: germline.

Labcorp Genetics (formerly Invitae), Labcorp
Classification: Uncertain significance for Sideroblastic anemia with B-cell immunodeficiency, periodic fevers, and developmental delay. Last evaluated: 2018-11-08. Review status: criteria provided, single submitter. Criteria: Invitae Variant Classification Sherloc (09022015). Collection method: clinical testing. Allele origin: germline.
Comment: This sequence change replaces isoleucine with threonine at codon 78 of the TRNT1 protein (p.Ile78Thr). The isoleucine residue is weakly conserved and there is a moderate physicochemical difference between isoleucine and threonine. This variant is not present in population databases (ExAC no frequency). This variant has not been reported in the literature in individuals with TRNT1-related disease. Algorithms developed to predict the effect of missense changes on protein structure and function (SIFT, PolyPhen-2, Align-GVGD) all suggest that this variant is likely to be disruptive, but these predictions have not been confirmed by published functional studies and their clinical significance is uncertain. In summary, the available evidence is currently insufficient to determine the role of this variant in disease. Therefore, it has been classified as a Variant of Uncertain Significance.

NM_182916.3(TRNT1):c.233T>C (p.Ile78Thr)

Gene: TRNT1 (tRNA nucleotidyl transferase 1; plus strand). Cytogenetic location: 3p26.2.
Variant type: single nucleotide variant.
Coding change: c.233T>C on transcript NM_182916.3 (MANE Select); coding-DNA position 233, T replaced by C.
Protein change: p.Ile78Thr; replaces isoleucine 78 with threonine.
Molecular consequence: missense variant. On other transcripts: non-coding transcript variant (8).
Genome position (GRCh38, 1-based): chr3:3,137,344, T>C. VCF-style: chr3-3137344-T-C. GRCh37 (hg19) VCF-style: chr3-3179028-T-C.
Other names: c.233T>C, p.Ile78Thr (NM_001302946.2, NM_001367321.1, NM_001367322.1 and 2 more transcripts); short protein forms I78T.
Identifiers: ClinVar variation 542064 (VCV000542064.3), dbSNP rs1553553306, ClinGen allele CA351443103.